The following is an entry in ClinVar:

ClinVar aggregate classification (germline): Conflicting classifications of pathogenicity. Review status: criteria provided, conflicting classifications (1 of 4 stars). 7 submissions from 5 submitters: Uncertain significance (1); Benign (1); Likely benign (5). Last evaluated 2026-01-17.

Conditions:
Distal spinal muscular atrophy. Also called: Distal hereditary motor neuropathy; Distal hereditary motor neuronopathy. Identifiers: Orphanet 53739, MedGen C0393541, MONDO:0018894.
Charcot-Marie-Tooth disease. Also called: Charcot-Marie-Tooth Neuropathy; Charcot-Marie-Tooth Hereditary Neuropathy. Identifiers: Orphanet 166, MedGen C0007959, MONDO:0015626.
Charcot-Marie-Tooth disease type 2. Also called: Charcot-Marie-Tooth type 2. Identifiers: Orphanet 64746, MedGen C0270914, MONDO:0018993.
Neuronopathy, distal hereditary motor, type 5A (HMND5). Also called: Distal Spinal Muscular Atrophy V; Distal Spinal Muscular Atrophy V (dSMA-V); NEURONOPATHY, DISTAL HEREDITARY MOTOR, AUTOSOMAL DOMINANT 5; DHMN VA. Identifiers: Orphanet 139536, MedGen CN031873, MONDO:0015353, OMIM 600794.
Charcot-Marie-Tooth disease type 2D (CMT2D). Also called: Charcot-Marie-Tooth Neuropathy Type 2D; GARS1 Adolescent- or Early Adult-Onset Hereditary Motor/Sensory Neuropathy (GARS1-HMSN); CHARCOT-MARIE-TOOTH DISEASE, AXONAL, TYPE 2D; CHARCOT-MARIE-TOOTH DISEASE, NEURONAL, TYPE 2D. Identifiers: Orphanet 99938, MedGen C1832274, MONDO:0011091, OMIM 601472.

Allele frequency attached by ClinVar (database versions not stated): 1000 Genomes Project 0.00020; TOPMed 0.00007; ESP Exome Variant Server 0.00008; ExAC 0.00009; gnomAD 0.00010; gnomAD exomes 0.00012; 1000 Genomes Project 30x 0.00016.
gnomAD v4.1: 163 of 1,539,890 alleles (0.011%); highest among the groups gnomAD compares: Middle Eastern, 0.017%; no homozygotes.

Submissions (7):

Labcorp Genetics (formerly Invitae), Labcorp
Classification: Likely benign for Charcot-Marie-Tooth disease type 2. Last evaluated: 2026-01-17. Review status: criteria provided, single submitter. Criteria: Invitae Variant Classification Sherloc (09022015). Collection method: clinical testing. Allele origin: germline.

Women's Health and Genetics/Laboratory Corporation of America, LabCorp
Classification: Benign. Last evaluated: 2024-12-03. Review status: criteria provided, single submitter. Criteria: LabCorp Variant Classification Summary - May 2015. Collection method: clinical testing. Allele origin: germline.
Comment: Variant summary: GARS1 c.1809+14T>C alters a non-conserved nucleotide located at a position not widely known to affect splicing. Consensus agreement among computation tools predict no significant impact on normal splicing. However, these predictions have yet to be confirmed by functional studies. The variant allele was found at a frequency of 0.00012 in 280864 control chromosomes (gnomAD). The observed variant frequency is approximately 125 fold of the estimated maximal expected allele frequency for a pathogenic variant in GARS1 causing Charcot-Marie-Tooth disease type 2D phenotype (1e-06). To our knowledge, no occurrence of c.1809+14T>C in individuals affected with Charcot-Marie-Tooth disease type 2D and no experimental evidence demonstrating its impact on protein function have been reported. ClinVar contains an entry for this variant (Variation ID: 360016). Based on the evidence outlined above, the variant was classified as benign.

Illumina Laboratory Services, Illumina
Classification: Likely benign for Distal hereditary motor neuronopathy type 5. Last evaluated: 2018-01-13. Review status: criteria provided, single submitter. Criteria: ICSL Variant Classification Criteria 13 December 2019. Collection method: clinical testing. Allele origin: germline.
Comment: This variant was observed in the ICSL laboratory as part of a predisposition screen in an ostensibly healthy population. It had not been previously curated by ICSL or reported in the Human Gene Mutation Database (HGMD: prior to June 1st, 2018), and was therefore a candidate for classification through an automated scoring system. Utilizing variant allele frequency, disease prevalence and penetrance estimates, and inheritance mode, an automated score was calculated to assess if this variant is too frequent to cause the disease. Based on the score and internal cut-off values, a variant classified as likely benign is not then subjected to further curation. The score for this variant resulted in a classification of likely benign for this disease.

Illumina Laboratory Services, Illumina
Classification: Uncertain significance for Charcot-Marie-Tooth disease type 2D. Last evaluated: 2018-01-13. Review status: criteria provided, single submitter. Criteria: ICSL Variant Classification Criteria 13 December 2019. Collection method: clinical testing. Allele origin: germline.

Illumina Laboratory Services, Illumina
Classification: Likely benign for Distal Spinal Muscular Atrophy. Last evaluated: 2018-01-13. Review status: criteria provided, single submitter. Criteria: ICSL Variant Classification Criteria 13 December 2019. Collection method: clinical testing. Allele origin: germline.
Comment: the same text as in the submission from Illumina Laboratory Services, Illumina above.

GeneDx
Classification: Likely benign. Last evaluated: 2016-09-30. Review status: criteria provided, single submitter. Criteria: GeneDx Variant Classification (06012015). Collection method: clinical testing. Allele origin: germline. Affected: yes.
Comment: This variant is considered likely benign or benign based on one or more of the following criteria: it is a conservative change, it occurs at a poorly conserved position in the protein, it is predicted to be benign by multiple in silico algorithms, and/or has population frequency not consistent with disease.

Molecular Genetics Laboratory, London Health Sciences Centre
Classification: Likely benign for Charcot-Marie-Tooth disease. Review status: criteria provided, single submitter. Criteria: ACMG Guidelines, 2015. Collection method: clinical testing. Allele origin: germline. Affected: yes.

NM_002047.4(GARS1):c.1809+14T>C

Gene: GARS1 (glycyl-tRNA synthetase 1; plus strand). Cytogenetic location: 7p14.3.
Variant type: single nucleotide variant.
Coding change: c.1809+14T>C on transcript NM_002047.4 (MANE Select); 14 bases into the intron after coding-DNA position 1809, T replaced by C.
Molecular consequence: intron variant.
Genome position (GRCh38, 1-based): chr7:30,628,683, T>C. VCF-style: chr7-30628683-T-C. GRCh37 (hg19) VCF-style: chr7-30668299-T-C.
Other names: c.1809+14T>C (LRG_243t1); c.1647+14T>C (NM_001316772.1).
Identifiers: ClinVar variation 360016 (VCV000360016.14), dbSNP rs367739730, ClinGen allele CA4206080.